The following is an entry in ClinVar:

ClinVar aggregate classification (germline): Conflicting classifications of pathogenicity. Review status: criteria provided, conflicting classifications (1 of 4 stars). 4 submissions from 4 submitters: Uncertain significance (1); Likely benign (3). Last evaluated 2024-12-17.

Conditions:
Hereditary cancer-predisposing syndrome. Also called: Hereditary neoplastic syndrome; Tumor predisposition; Neoplastic Syndromes, Hereditary; Hereditary Cancer Syndrome. Identifiers: Orphanet 140162, MedGen C0027672, MeSH D009386, MONDO:0015356.
Hereditary breast ovarian cancer syndrome. Also called: Hereditary breast and ovarian cancer; Hereditary breast and/or ovarian cancer syndrome; Hereditary breast and ovarian cancer syndrome; Hereditary breast and ovarian cancer syndrome (HBOC); Breast and ovarian cancer; BRCA1- and BRCA2-Associated Hereditary Breast and Ovarian Cancer. Identifiers: Orphanet 145, MedGen C0677776, MeSH D061325, MONDO:0003582. Disease mechanism: loss of function.

Allele frequency attached by ClinVar (database versions not stated): gnomAD exomes below 0.00001.
gnomAD v4.1: 1 of 1,600,228 alleles (0.000062%); highest among the groups gnomAD compares: Non-Finnish European, 0.000085%; no homozygotes.

Submissions (4):

Women's Health and Genetics/Laboratory Corporation of America, LabCorp
Classification: Likely benign. Last evaluated: 2024-12-17. Review status: criteria provided, single submitter. Criteria: LabCorp Variant Classification Summary - May 2015. Collection method: clinical testing. Allele origin: germline.
Comment: Variant summary: BRCA2 c.426-20T>G alters a nucleotide located at a position not widely known to affect splicing. Consensus agreement among computation tools predict no significant impact on normal splicing. However, these predictions have yet to be confirmed by functional studies. The variant was absent in 249378 control chromosomes. The available data on variant occurrences in the general population are insufficient to allow any conclusion about variant significance. To our knowledge, no occurrence of c.426-20T>G in individuals affected with Hereditary Breast And Ovarian Cancer Syndrome and no experimental evidence demonstrating its impact on protein function have been reported. ClinVar contains an entry for this variant (Variation ID: 421251). Based on the evidence outlined above, the variant was classified as likely benign.

Labcorp Genetics (formerly Invitae), Labcorp
Classification: Likely benign for Hereditary breast ovarian cancer syndrome. Last evaluated: 2023-04-28. Review status: criteria provided, single submitter. Criteria: Invitae Variant Classification Sherloc (09022015). Collection method: clinical testing. Allele origin: germline.

Color Diagnostics, LLC DBA Color Health
Classification: Likely benign for Hereditary cancer-predisposing syndrome. Last evaluated: 2017-04-13. Review status: criteria provided, single submitter. Criteria: ACMG Guidelines, 2015. Collection method: clinical testing. Allele origin: germline.

GeneDx
Classification: Uncertain significance. Last evaluated: 2016-05-17. Review status: criteria provided, single submitter. Criteria: GeneDx Variant Classification (06012015). Collection method: clinical testing. Allele origin: germline. Affected: yes.
Comment: This variant is denoted BRCA2 c.426-20T>G or IVS4-20T>G and consists of a T>G nucleotide substitution at the -20 position of intron 4 of the BRCA2 gene. Using alternate nomenclature, this variant would be defined as BRCA2 654-20T>G. In silico splicing models are inconsistent. This variant has not, to our knowledge, been published in the literature as pathogenic or benign. BRCA2 c.426-20T>G was not observed in approximately 6,500 individuals of European and African American ancestry in the NHLBI Exome Sequencing Project, suggesting it is not a common benign variant in these populations. The thymine (T) nucleotide that is altered is not conserved across species. Based on currently available evidence, it is unclear whether BRCA2 c.426-20T>G is pathogenic or benign. We consider it to be a variant of uncertain significance.

NM_000059.4(BRCA2):c.426-20T>G

Gene: BRCA2 (BRCA2 DNA repair associated; plus strand). Cytogenetic location: 13q13.1.
Variant type: single nucleotide variant.
Coding change: c.426-20T>G on transcript NM_000059.4 (MANE Select); 20 bases into the intron before coding-DNA position 426, T replaced by G.
Molecular consequence: intron variant.
Genome position (GRCh38, 1-based): chr13:32,326,081, T>G. VCF-style: chr13-32326081-T-G. GRCh37 (hg19) VCF-style: chr13-32900218-T-G.
Identifiers: ClinVar variation 421251 (VCV000421251.11), dbSNP rs1064795008, ClinGen allele CA16619644.